The following is an entry in ClinVar:

NM_004360.5(CDH1):c.25dup (p.Ser9fs)

Gene: CDH1 (cadherin 1; plus strand). Cytogenetic location: 16q22.1.
Variant type: Duplication.
Coding change: c.25dup on transcript NM_004360.5 (MANE Select); coding-DNA position 25, one base duplicated (T; older notation c.25dupT).
Protein change: p.Ser9fs; shifts the reading frame from serine 9.
Molecular consequence: frameshift variant. On other transcripts: 5 prime UTR variant (2).
Genome position (GRCh38, 1-based): chr16:68,737,440, T duplicated. VCF-style (leftmost placement, unchanged base first): chr16-68737439-C-CT. GRCh37 (hg19) VCF-style: chr16-68771342-C-CT.
Other names: c.25dupT (NM_004360.3); c.25dup, p.Ser9fs (NM_001317184.2); c.-1591dup (NM_001317185.2); c.-1795dup (NM_001317186.2); short protein forms S9fs.
Identifiers: ClinVar variation 3265131 (VCV003265131.3).

ClinVar aggregate classification (germline): Pathogenic. Review status: criteria provided, multiple submitters, no conflicts (2 of 4 stars). 2 submissions from 2 submitters: Pathogenic (2). Last evaluated 2024-09-24.

Conditions:
Hereditary cancer-predisposing syndrome. Also called: Neoplastic Syndromes, Hereditary; Hereditary neoplastic syndrome; Tumor predisposition; Hereditary Cancer Syndrome. Identifiers: Orphanet 140162, MedGen C0027672, MeSH D009386, MONDO:0015356.
Hereditary diffuse gastric adenocarcinoma (HDGC). Also called: DIFFUSE GASTRIC AND LOBULAR BREAST CANCER SYNDROME. Identifiers: Orphanet 26106, MedGen C1708349, MONDO:0007648, OMIM 137215.

Submissions (2):

Labcorp Genetics (formerly Invitae), Labcorp
Classification: Pathogenic for Hereditary diffuse gastric adenocarcinoma. Last evaluated: 2024-09-24. Review status: criteria provided, single submitter. Criteria: Invitae Variant Classification Sherloc (09022015). Collection method: clinical testing. Allele origin: germline.
Comment: This sequence change creates a premature translational stop signal (p.Ser9Phefs*25) in the CDH1 gene. It is expected to result in an absent or disrupted protein product. Loss-of-function variants in CDH1 are known to be pathogenic (PMID: 15235021, 20373070). This variant is not present in population databases (gnomAD no frequency). This variant has not been reported in the literature in individuals affected with CDH1-related conditions. For these reasons, this variant has been classified as Pathogenic.

Ambry Genetics
Classification: Pathogenic for Hereditary cancer-predisposing syndrome. Last evaluated: 2024-04-24. Review status: criteria provided, single submitter. Criteria: Ambry Variant Classification Scheme 2023. Collection method: clinical testing. Allele origin: germline.
Comment: The c.25dupT pathogenic mutation, located in coding exon 1 of the CDH1 gene, results from a duplication of T at nucleotide position 25, causing a translational frameshift with a predicted alternate stop codon (p.S9Ffs*25). This variant is considered to be rare based on population cohorts in the Genome Aggregation Database (gnomAD). This alteration is expected to result in loss of function by premature protein truncation or nonsense-mediated mRNA decay. As such, this alteration is interpreted as a disease-causing mutation.

Literature cited by the submitters: PubMed 15235021 (cited by Labcorp Genetics (formerly Invitae), Labcorp); PubMed 20373070 (cited by Labcorp Genetics (formerly Invitae), Labcorp).